The following is an entry in ClinVar:

NM_032242.4(PLXNA1):c.5409C>T (p.Ala1803=)

Gene: PLXNA1 (plexin A1; plus strand). Cytogenetic location: 3q21.3.
Variant type: single nucleotide variant.
Coding change: c.5409C>T on transcript NM_032242.4 (MANE Select); coding-DNA position 5409, C replaced by T.
Protein change: p.Ala1803=; no amino-acid change (alanine 1803 retained).
Molecular consequence: synonymous variant.
Genome position (GRCh38, 1-based): chr3:127,032,564, C>T. VCF-style: chr3-127032564-C-T. GRCh37 (hg19) VCF-style: chr3-126751407-C-T.
Identifiers: ClinVar variation 3356539 (VCV003356539.1).

ClinVar aggregate classification (germline): Likely benign (0 of 4 stars; one submission).

Conditions:
PLXNA1-related disorder. Also called: PLXNA1-related condition.

Submission:

PreventionGenetics, part of Exact Sciences
Classification: Likely benign for PLXNA1-related condition. Last evaluated: 2023-07-22. Review status: no assertion criteria provided. Collection method: clinical testing. Allele origin: germline.
Comment: This variant is classified as likely benign based on ACMG/AMP sequence variant interpretation guidelines (Richards et al. 2015 PMID: 25741868, with internal and published modifications).